The following is an entry in ClinVar:

ClinVar aggregate classification (germline): Pathogenic (1 of 4 stars; one submission).

gnomAD v4.1: 3 of 1,613,322 alleles (0.00019%); highest among the groups gnomAD compares: Admixed American, 0.005%; no homozygotes.

Submission:

Labcorp Genetics (formerly Invitae), Labcorp
Classification: Pathogenic. Last evaluated: 2024-10-21. Review status: criteria provided, single submitter. Criteria: Invitae Variant Classification Sherloc (09022015). Collection method: clinical testing. Allele origin: germline.
Comment: This sequence change creates a premature translational stop signal (p.Glu58*) in the NARS2 gene. It is expected to result in an absent or disrupted protein product. Loss-of-function variants in NARS2 are known to be pathogenic (PMID: 25807530, 26402642). This variant is present in population databases (no rsID available, gnomAD 0.006%). This variant has not been reported in the literature in individuals affected with NARS2-related conditions. For these reasons, this variant has been classified as Pathogenic.

Literature cited by the submitters: PubMed 25807530; PubMed 26402642.

NM_024678.6(NARS2):c.172G>T (p.Glu58Ter)

Gene: NARS2 (asparaginyl-tRNA synthetase 2, mitochondrial; minus strand). Cytogenetic location: 11q14.1.
Variant type: single nucleotide variant.
Coding change: c.172G>T on transcript NM_024678.6 (MANE Select); coding-DNA position 172, G replaced by T.
Protein change: p.Glu58Ter; replaces glutamic acid 58 with a stop codon.
Molecular consequence: nonsense. On other transcripts: 5 prime UTR variant (6), non-coding transcript variant (4), intron variant (1).
Genome position (GRCh38, 1-based): chr11:78,571,414, C>A on the plus strand (G>T on the coding strand, the complement: NARS2 is on the minus strand). VCF-style: chr11-78571414-C-A. GRCh37 (hg19) VCF-style: chr11-78282459-C-A.
Other names: c.-510G>T (NM_001243251.2, NM_001425310.1, NM_001425313.1 and 1 more transcripts); c.172G>T, p.Glu58Ter (NM_001425299.1, NM_001425300.1, NM_001425301.1 and 7 more transcripts); c.-385G>T (NM_001425311.1); c.-582G>T (NM_001425312.1); c.141+2934G>T (NM_001425308.1); short protein forms E58*.
Identifiers: ClinVar variation 3674378 (VCV003674378.2).